The following is an entry in ClinVar:

ClinVar aggregate classification (germline): Uncertain significance (1 of 4 stars; one submission).

Allele frequency attached by ClinVar (database versions not stated): ExAC 0.00001.

Submission:

GeneDx
Classification: Uncertain significance. Last evaluated: 2022-11-04. Review status: criteria provided, single submitter. Criteria: GeneDx Variant Classification Process June 2021. Collection method: clinical testing. Allele origin: germline. Affected: yes.
Comment: In silico analysis supports that this missense variant has a deleterious effect on protein structure/function; Has not been previously published as pathogenic or benign to our knowledge

NM_004431.5(EPHA2):c.818G>T (p.Cys273Phe)

Gene: EPHA2 (EPH receptor A2; minus strand). Cytogenetic location: 1p36.13.
Variant type: single nucleotide variant.
Coding change: c.818G>T on transcript NM_004431.5 (MANE Select); coding-DNA position 818, G replaced by T.
Protein change: p.Cys273Phe; replaces cysteine 273 with phenylalanine.
Molecular consequence: missense variant.
Genome position (GRCh38, 1-based): chr1:16,148,383, C>A on the plus strand (G>T on the coding strand, the complement: EPHA2 is on the minus strand). VCF-style: chr1-16148383-C-A. GRCh37 (hg19) VCF-style: chr1-16474878-C-A.
Other names: c.656G>T, p.Cys219Phe (NM_001329090.2); short protein forms C219F, C273F.
Identifiers: ClinVar variation 2501525 (VCV002501525.1), dbSNP rs779899828, ClinGen allele CA625418.